The following is an entry in ClinVar:

ClinVar aggregate classification (germline): Uncertain significance. Review status: criteria provided, multiple submitters, no conflicts (2 of 4 stars). 2 submissions from 2 submitters: Uncertain significance (2). Last evaluated 2024-11-14.

Submissions (2):

Blueprint Genetics
Classification: Uncertain significance. Last evaluated: 2024-11-14. Review status: criteria provided, single submitter. Criteria: ACMG Guidelines, 2015. Collection method: clinical testing. Allele origin: germline.

GeneDx
Classification: Uncertain significance. Last evaluated: 2019-12-06. Review status: criteria provided, single submitter. Criteria: GeneDx Variant Classification Process June 2021. Collection method: clinical testing. Allele origin: germline. Affected: yes.
Comment: Not observed in large population cohorts (Lek et al., 2016); In silico analysis, which includes splice predictors and evolutionary conservation, supports a deleterious effect; Has not been previously published as pathogenic or benign to our knowledge

NM_001242896.3(DEPDC5):c.624+3A>G

Gene: DEPDC5 (DEP domain containing 5, GATOR1 subcomplex subunit; plus strand). Cytogenetic location: 22q12.2.
Variant type: single nucleotide variant.
Coding change: c.624+3A>G on transcript NM_001242896.3 (MANE Select); 3 bases into the intron after coding-DNA position 624, A replaced by G.
Molecular consequence: intron variant.
Genome position (GRCh38, 1-based): chr22:31,784,878, A>G. VCF-style: chr22-31784878-A-G. GRCh37 (hg19) VCF-style: chr22-32180864-A-G.
Other names: c.624+3A>G (NM_001364318.2, NM_001136029.4, NM_014662.6 and 7 more transcripts); c.540+3A>G (NM_001369902.1, NM_001369901.1).
Identifiers: ClinVar variation 1310631 (VCV001310631.3), dbSNP rs2148415702, ClinGen allele CA2573054996.
Genomic context (GRCh38, chr22:31,784,878, plus strand): 5'-TTTGTATTTTGAGAAAGCTGTGAATGGTTTCCTTGCTGATCTATTTACCAAGTGGAAGGT[A>G]CATTTCTTCTTACACACTAAGTCTCATTATGTAAACATTACTCAATCAGATTTTTAAAAT-3'